The following is an entry in ClinVar:

ClinVar aggregate classification (germline): Uncertain significance (1 of 4 stars; one submission).

Allele frequency attached by ClinVar (database versions not stated): 1000 Genomes Project 30x 0.00031.

Submission:

GeneDx
Classification: Uncertain significance. Last evaluated: 2020-04-20. Review status: criteria provided, single submitter. Criteria: GeneDx Variant Classification Process June 2021. Collection method: clinical testing. Allele origin: germline. Affected: yes.
Comment: In silico analysis, which includes protein predictors and evolutionary conservation, supports that this variant does not alter protein structure/function; Has not been previously published as pathogenic or benign to our knowledge

NM_001366110.1(PAX4):c.211G>A (p.Gly71Ser)

Gene: PAX4 (paired box 4; minus strand). Cytogenetic location: 7q32.1.
Variant type: single nucleotide variant.
Coding change: c.211G>A on transcript NM_001366110.1 (MANE Select); coding-DNA position 211, G replaced by A.
Protein change: p.Gly71Ser; replaces glycine 71 with serine.
Molecular consequence: missense variant.
Genome position (GRCh38, 1-based): chr7:127,615,029, C>T on the plus strand (G>A on the coding strand, the complement: PAX4 is on the minus strand). VCF-style: chr7-127615029-C-T. GRCh37 (hg19) VCF-style: chr7-127255083-C-T.
Other names: NM_006193.2:c.187G>A; c.211G>A, p.Gly71Ser (NM_001366111.1); short protein forms G71S.
Identifiers: ClinVar variation 1317377 (VCV001317377.2), dbSNP rs112061448, ClinGen allele CA4468162.